The following is an entry in ClinVar:

NM_004211.5(SLC6A5):c.577A>T (p.Asn193Tyr)

Gene: SLC6A5 (solute carrier family 6 member 5; plus strand). Cytogenetic location: 11p15.1.
Variant type: single nucleotide variant.
Coding change: c.577A>T on transcript NM_004211.5 (MANE Select); coding-DNA position 577, A replaced by T.
Protein change: p.Asn193Tyr; replaces asparagine 193 with tyrosine.
Molecular consequence: missense variant. On other transcripts: intron variant (1).
Genome position (GRCh38, 1-based): chr11:20,604,322, A>T. VCF-style: chr11-20604322-A-T. GRCh37 (hg19) VCF-style: chr11-20625868-A-T.
Other names: c.577A>T (NM_004211.3); c.-24+2657A>T (NM_001318369.2); short protein forms N193Y.
Identifiers: ClinVar variation 1440600 (VCV001440600.8), dbSNP rs1852534533, ClinGen allele CA379912615.

ClinVar aggregate classification (germline): Uncertain significance. Review status: criteria provided, multiple submitters, no conflicts (2 of 4 stars). 2 submissions from 2 submitters: Uncertain significance (2). Last evaluated 2023-02-28.

Conditions:
Hyperekplexia 3 (HKPX3). Also called: HYPEREKPLEXIA 3, AUTOSOMAL RECESSIVE; HYPEREKPLEXIA 3, AUTOSOMAL DOMINANT. Identifiers: Orphanet 3197, MedGen C3553288, MONDO:0013827, OMIM 614618.
Inborn genetic diseases. Identifiers: MedGen C0950123, MeSH D030342.

Allele frequency attached by ClinVar (database versions not stated): TOPMed 0.00002.

Submissions (2):

Ambry Genetics
Classification: Uncertain significance for Inborn genetic diseases. Last evaluated: 2023-02-28. Review status: criteria provided, single submitter. Criteria: Ambry Variant Classification Scheme 2023. Collection method: clinical testing. Allele origin: germline.

Labcorp Genetics (formerly Invitae), Labcorp
Classification: Uncertain significance for Hyperekplexia 3. Last evaluated: 2022-09-02. Review status: criteria provided, single submitter. Criteria: Invitae Variant Classification Sherloc (09022015). Collection method: clinical testing. Allele origin: germline.
Comment: This sequence change replaces asparagine, which is neutral and polar, with tyrosine, which is neutral and polar, at codon 193 of the SLC6A5 protein (p.Asn193Tyr). This variant is not present in population databases (gnomAD no frequency). This variant has not been reported in the literature in individuals affected with SLC6A5-related conditions. ClinVar contains an entry for this variant (Variation ID: 1440600). Algorithms developed to predict the effect of missense changes on protein structure and function (SIFT, PolyPhen-2, Align-GVGD) all suggest that this variant is likely to be disruptive. Algorithms developed to predict the effect of sequence changes on RNA splicing suggest that this variant may create or strengthen a splice site. In summary, the available evidence is currently insufficient to determine the role of this variant in disease. Therefore, it has been classified as a Variant of Uncertain Significance.